The following is an entry in ClinVar:

ClinVar aggregate classification (germline): Uncertain significance (1 of 4 stars; one submission).

Conditions:
Arrhythmogenic cardiomyopathy with wooly hair and keratoderma. Also called: PALMOPLANTAR KERATODERMA WITH LEFT VENTRICULAR CARDIOMYOPATHY AND WOOLLY HAIR; Carvajal syndrome; Dilated cardiomyopathy with woolly hair and keratoderma; Arrhythmogenic cardiomyopathy with woolly hair and keratoderma. Identifiers: Orphanet 65282, MedGen C1854063, MONDO:0011581, OMIM 605676.

Submission:

All of Us Research Program, National Institutes of Health
Classification: Uncertain significance for Arrhythmogenic cardiomyopathy with wooly hair and keratoderma. Last evaluated: 2023-11-30. Review status: criteria provided, single submitter. Criteria: ACMG Guidelines, 2015. Collection method: clinical testing. Allele origin: germline. Inheritance: Autosomal dominant inheritance. Observed: 2 variant alleles, 2 heterozygotes.
Comment: This missense variant replaces lysine with arginine at codon 419 of the DSP protein. Computational prediction suggests that this variant may not impact protein structure and function (internally defined REVEL score threshold <= 0.5, PMID: 27666373). To our knowledge, functional studies have not been reported for this variant. This variant has not been reported in individuals affected with DSP-related disorders in the literature. This variant has not been identified in the general population by the Genome Aggregation Database (gnomAD). The available evidence is insufficient to determine the role of this variant in disease conclusively. Therefore, this variant is classified as a Variant of Uncertain Significance.

This study involves interpretation of variants in research participants for the purpose of population health screening. Participant phenotype was not available at the time of variant classification. Additional details can be found in publication PMID: 35346344, PMCID: PMC8962531

NM_004415.4(DSP):c.1256A>G (p.Lys419Arg)

Gene: DSP (desmoplakin; plus strand). Cytogenetic location: 6p24.3.
Variant type: single nucleotide variant.
Coding change: c.1256A>G on transcript NM_004415.4 (MANE Select); coding-DNA position 1256, A replaced by G.
Protein change: p.Lys419Arg; replaces lysine 419 with arginine.
Molecular consequence: missense variant.
Genome position (GRCh38, 1-based): chr6:7,567,896, A>G. VCF-style: chr6-7567896-A-G. GRCh37 (hg19) VCF-style: chr6-7568129-A-G.
Other names: c.1256A>G, p.Lys419Arg (NM_001008844.3, NM_001319034.2, NM_001406591.1); short protein forms K419R.
Identifiers: ClinVar variation 3070782 (VCV003070782.1), dbSNP rs2533882070, ClinGen allele CA362676246.